The following is an entry in ClinVar:

ClinVar aggregate classification (germline): Benign/Likely benign. Review status: criteria provided, multiple submitters, no conflicts (2 of 4 stars). 6 submissions from 6 submitters: Benign (2); Likely benign (3). 1 of the submissions does not count toward it. Last evaluated 2026-07-01.

Conditions:
Bainbridge-Ropers syndrome. Also called: Severe feeding difficulties-failure to thrive-microcephaly due to ASXL3 deficiency syndrome. Identifiers: Orphanet 352577, MedGen C4750837, MONDO:0014205, OMIM 615485.
ASXL3-related disorder. Also called: ASXL3-related condition. Identifiers: MedGen CN381524.

Allele frequency attached by ClinVar (database versions not stated): ExAC 0.00065; gnomAD exomes 0.00081; 1000 Genomes Project 0.00120; TOPMed 0.00150; 1000 Genomes Project 30x 0.00125; gnomAD 0.00127 and 0.00123; ESP Exome Variant Server 0.00158.
gnomAD v4.1: 2,875 of 1,613,976 alleles (0.18%); highest among the groups gnomAD compares: Non-Finnish European, 0.22%; 2 homozygotes.

Submissions (6):

CeGaT Center for Human Genetics Tuebingen
Classification: Likely benign. Last evaluated: 2026-07-01. Review status: criteria provided, single submitter. Criteria: CeGaT Center For Human Genetics Tuebingen Variant Classification Criteria Version 2. Collection method: clinical testing. Allele origin: germline. Affected: yes. Observed: 5 variant alleles.
Comment: ASXL3: BP4, BS1

Blueprint Genetics
Classification: Likely benign. Last evaluated: 2024-11-21. Review status: criteria provided, single submitter. Criteria: ACMG Guidelines, 2015. Collection method: clinical testing. Allele origin: germline.

Genome-Nilou Lab
Classification: Benign for Bainbridge-Ropers syndrome. Last evaluated: 2021-12-05. Review status: criteria provided, single submitter. Criteria: ACMG Guidelines, 2015. Collection method: clinical testing. Allele origin: germline. Affected: no.

GeneDx
Classification: Benign. Last evaluated: 2019-04-30. Review status: criteria provided, single submitter. Criteria: GeneDx Variant Classification Process June 2021. Collection method: clinical testing. Allele origin: germline. Affected: yes.

Center for Pediatric Genomic Medicine, Children's Mercy Hospital and Clinics
Classification: Likely benign. Last evaluated: 2017-02-17. Review status: criteria provided, single submitter. Criteria: ACMG Guidelines, 2015. Collection method: clinical testing. Allele origin: germline.

PreventionGenetics, part of Exact Sciences
Classification: Likely benign for ASXL3-related condition. Last evaluated: 2022-12-09. Review status: no assertion criteria provided. Collection method: clinical testing. Allele origin: germline. Not counted in ClinVar's aggregate classification.
Comment: This variant is classified as likely benign based on ACMG/AMP sequence variant interpretation guidelines (Richards et al. 2015 PMID: 25741868, with internal and published modifications).

NM_030632.3(ASXL3):c.3389C>G (p.Pro1130Arg)

Gene: ASXL3 (ASXL transcriptional regulator 3; plus strand). Cytogenetic location: 18q12.1.
Variant type: single nucleotide variant.
Coding change: c.3389C>G on transcript NM_030632.3 (MANE Select); coding-DNA position 3389, C replaced by G.
Protein change: p.Pro1130Arg; replaces proline 1130 with arginine.
Molecular consequence: missense variant.
Genome position (GRCh38, 1-based): chr18:33,743,237, C>G. VCF-style: chr18-33743237-C-G. GRCh37 (hg19) VCF-style: chr18-31323201-C-G.
Other names: c.3389C>G (NM_030632.2); short protein forms P1130R.
Identifiers: ClinVar variation 445597 (VCV000445597.36), dbSNP rs185753602, ClinGen allele CA8934075.
Genomic context (GRCh38, chr18:33,743,237, plus strand): 5'-TCTTTGCAAAGCATCAAGCTCGAGCCCATCTCTTCCAGACCTCTAAAGAGACCCGGTTGC[C>G]TCCTCCGCTCAGCTCAAAGGAAGGGCCTCCAAACTTAGAAGTCTCTTCTACCCCTGAAAC-3'
Protein context (NP_085135.1, residues 1120-1140): LFQTSKETRL[Pro1130Arg]PPLSSKEGPP